The following is an entry in ClinVar:

NM_022168.4(IFIH1):c.2942G>T (p.Cys981Phe)

Gene: IFIH1 (interferon induced with helicase C domain 1; minus strand). Cytogenetic location: 2q24.2.
Variant type: single nucleotide variant.
Coding change: c.2942G>T on transcript NM_022168.4 (MANE Select); coding-DNA position 2942, G replaced by T.
Protein change: p.Cys981Phe; replaces cysteine 981 with phenylalanine.
Molecular consequence: missense variant.
Genome position (GRCh38, 1-based): chr2:162,267,336, C>A on the plus strand (G>T on the coding strand, the complement: IFIH1 is on the minus strand). VCF-style: chr2-162267336-C-A. GRCh37 (hg19) VCF-style: chr2-163123846-C-A.
Other names: c.2942G>T (NM_022168.3); short protein forms C981F.
Identifiers: ClinVar variation 2167580 (VCV002167580.5), dbSNP rs2468943055, ClinGen allele CA348989177.

ClinVar aggregate classification (germline): Uncertain significance. Review status: criteria provided, multiple submitters, no conflicts (2 of 4 stars). 2 submissions from 2 submitters: Uncertain significance (2). Last evaluated 2025-03-12.

Conditions:
Aicardi-Goutieres syndrome 7 (AGS7). Identifiers: Orphanet 51, MedGen C3888244, MONDO:0014367, OMIM 615846.
Singleton-Merten syndrome 1 (SGMRT1). Also called: Widened medullary cavities of bone, aortic calcification, abnormal dentition, and muscular weakness; Syndrome of widened medullary cavities of the metacarpals and phalanges, aortic calcification and abnormal dentition. Identifiers: Orphanet 85191, MedGen C4225427, MONDO:0024535, OMIM 182250.

Submissions (2):

GeneDx
Classification: Uncertain significance. Last evaluated: 2025-03-12. Review status: criteria provided, single submitter. Criteria: GeneDx Variant Classification Process June 2021. Collection method: clinical testing. Allele origin: germline. Affected: yes.
Comment: Not observed at significant frequency in large population cohorts (gnomAD); In silico analysis supports that this missense variant has a deleterious effect on protein structure/function; Has not been previously published as pathogenic or benign to our knowledge

Labcorp Genetics (formerly Invitae), Labcorp
Classification: Uncertain significance for Aicardi-Goutieres syndrome 7; Singleton-Merten syndrome 1. Last evaluated: 2024-12-18. Review status: criteria provided, single submitter. Criteria: Invitae Variant Classification Sherloc (09022015). Collection method: clinical testing. Allele origin: germline.
Comment: This sequence change replaces cysteine, which is neutral and slightly polar, with phenylalanine, which is neutral and non-polar, at codon 981 of the IFIH1 protein (p.Cys981Phe). This variant is not present in population databases (gnomAD no frequency). This variant has not been reported in the literature in individuals affected with IFIH1-related conditions. ClinVar contains an entry for this variant (Variation ID: 2167580). Invitae Evidence Modeling of protein sequence and biophysical properties (such as structural, functional, and spatial information, amino acid conservation, physicochemical variation, residue mobility, and thermodynamic stability) has been performed for this missense variant. However, the output from this modeling did not meet the statistical confidence thresholds required to predict the impact of this variant on IFIH1 protein function. In summary, the available evidence is currently insufficient to determine the role of this variant in disease. Therefore, it has been classified as a Variant of Uncertain Significance.